The following is an entry in ClinVar:

NM_000368.5(TSC1):c.2646C>T (p.Ala882=)

Gene: TSC1 (TSC complex subunit 1; minus strand). Cytogenetic location: 9q34.13.
Variant type: single nucleotide variant.
Coding change: c.2646C>T on transcript NM_000368.5 (MANE Select); coding-DNA position 2646, C replaced by T.
Protein change: p.Ala882=; no amino-acid change (alanine 882 retained).
Molecular consequence: synonymous variant.
Genome position (GRCh38, 1-based): chr9:132,897,590, G>A on the plus strand (C>T on the coding strand, the complement: TSC1 is on the minus strand). VCF-style: chr9-132897590-G-A. GRCh37 (hg19) VCF-style: chr9-135772977-G-A.
Other names: p.A882A:GCC>GCT; p.Ala882=; c.2643C>T, p.Ala881= (NM_001162426.2); c.2493C>T, p.Ala831= (NM_001162427.2); c.2283C>T, p.Ala761= (NM_001362177.2).
Identifiers: ClinVar variation 48984 (VCV000048984.85), dbSNP rs118203720, ClinGen allele CA006768.

ClinVar aggregate classification (germline): Benign/Likely benign. Review status: criteria provided, multiple submitters, no conflicts (2 of 4 stars). 27 submissions from 25 submitters: Benign (17); Likely benign (5). 5 of the submissions do not count toward it. Last evaluated 2026-08-01.

Conditions:
Hereditary cancer-predisposing syndrome. Also called: Neoplastic Syndromes, Hereditary; Tumor predisposition; Hereditary Cancer Syndrome; Hereditary neoplastic syndrome. Identifiers: Orphanet 140162, MedGen C0027672, MeSH D009386, MONDO:0015356.
Tuberous sclerosis 1 (TSC1). Identifiers: Orphanet 805, MedGen C1854465, MONDO:0008612, OMIM 191100.
Lymphangiomyomatosis (LAM). Also called: Lymphangioleiomyomatosis; Lymphangioleiomyomatosis, somatic. Identifiers: Orphanet 538, MedGen C0751674, MONDO:0011705, OMIM 606690.
Isolated focal cortical dysplasia type II (FCORD2). Also called: Focal cortical dysplasia type II; CORTICAL DYSPLASIA OF TAYLOR. Identifiers: Orphanet 268994, MedGen C1846385, MONDO:0011818, OMIM 607341, HP:0032051.
Malignant tumor of urinary bladder. Also called: Urinary bladder cancer; Urinary Bladder Neoplasms; Bladder cancer. Identifiers: MedGen C0005684, MONDO:0001187, OMIM 109800.
Tuberous sclerosis syndrome (TSC). Also called: Tuberous Sclerosis Complex; Tuberous sclerosis. Identifiers: Orphanet 805, MedGen C0041341, MONDO:0001734.

Allele frequency attached by ClinVar (database versions not stated): ExAC 0.00250; gnomAD exomes 0.00255 and 0.00468; 1000 Genomes Project 0.00160; 1000 Genomes Project 30x 0.00172; gnomAD 0.00269 and 0.00272; ESP Exome Variant Server 0.00361.
gnomAD v4.1: 6,963 of 1,541,130 alleles (0.45%); highest among the groups gnomAD compares: Non-Finnish European, 0.56%; 27 homozygotes.

Submissions (27):

CeGaT Center for Human Genetics Tuebingen
Classification: Benign. Last evaluated: 2026-08-01. Review status: criteria provided, single submitter. Criteria: CeGaT Center For Human Genetics Tuebingen Variant Classification Criteria Version 2. Collection method: clinical testing. Allele origin: germline. Affected: yes. Observed: 86 variant alleles.
Comment: TSC1: BP4, BP7, BS1, BS2

Labcorp Genetics (formerly Invitae), Labcorp
Classification: Benign for Tuberous sclerosis 1. Last evaluated: 2026-02-04. Review status: criteria provided, single submitter. Criteria: Invitae Variant Classification Sherloc (09022015). Collection method: clinical testing. Allele origin: germline.

Mayo Clinic Laboratories, Mayo Clinic
Classification: Likely benign. Last evaluated: 2025-05-28. Review status: criteria provided, single submitter. Criteria: ACMG Guidelines, 2015. Collection method: clinical testing. Allele origin: germline. Observed: 6 variant alleles.
Comment: BS1, BP4, BP7

ARUP Laboratories, Molecular Genetics and Genomics, ARUP Laboratories
Classification: Benign. Last evaluated: 2025-05-21. Review status: criteria provided, single submitter. Criteria: ARUP Molecular Germline Variant Investigation Process 2024. Collection method: clinical testing. Allele origin: germline.

Myriad Genetics, Inc.
Classification: Benign for Tuberous sclerosis 1. Last evaluated: 2025-04-28. Review status: criteria provided, single submitter. Criteria: Myriad Autosomal Dominant, Autosomal Recessive and X-Linked Classification Criteria (2023). Collection method: clinical testing. Allele origin: unknown.
Comment: This variant is considered benign. This variant is a silent/synonymous amino acid change and it is not expected to impact splicing.

Blueprint Genetics
Classification: Likely benign. Last evaluated: 2024-11-26. Review status: criteria provided, single submitter. Criteria: ACMG Guidelines, 2015. Collection method: clinical testing. Allele origin: germline.

All of Us Research Program, National Institutes of Health
Classification: Benign for Tuberous sclerosis syndrome. Last evaluated: 2024-02-05. Review status: criteria provided, single submitter. Criteria: ACMG Guidelines, 2015. Collection method: clinical testing. Allele origin: germline. Inheritance: Autosomal dominant inheritance. Observed: 844 variant alleles, 842 heterozygotes, 2 homozygotes.
Comment: This study involves interpretation of variants in research participants for the purpose of population health screening. Participant phenotype was not available at the time of variant classification. Additional details can be found in publication PMID: 35346344, PMCID: PMC8962531

Women's Health and Genetics/Laboratory Corporation of America, LabCorp
Classification: Benign. Last evaluated: 2023-10-27. Review status: criteria provided, single submitter. Criteria: LabCorp Variant Classification Summary - May 2015. Collection method: clinical testing. Allele origin: germline.

Color Diagnostics, LLC DBA Color Health
Classification: Benign for Tuberous sclerosis syndrome. Last evaluated: 2022-08-17. Review status: criteria provided, single submitter. Criteria: ACMG Guidelines, 2015. Collection method: clinical testing. Allele origin: germline.

Department of Pathology and Laboratory Medicine, Sinai Health System
Classification: Benign for Tuberous sclerosis 1; Lymphangiomyomatosis; Isolated focal cortical dysplasia type II. Last evaluated: 2022-06-06. Review status: criteria provided, single submitter. Criteria: ACMG Guidelines, 2015. Collection method: clinical testing. Allele origin: germline. Affected: yes.

Genetic Services Laboratory, University of Chicago
Classification: Likely benign. Last evaluated: 2021-12-01. Review status: criteria provided, single submitter. Criteria: ACMG Guidelines, 2015. Collection method: clinical testing. Allele origin: germline. Affected: no.

Genome-Nilou Lab
Classification: Benign for Tuberous sclerosis 1. Last evaluated: 2021-11-07. Review status: criteria provided, single submitter. Criteria: ACMG Guidelines, 2015. Collection method: clinical testing. Allele origin: germline. Affected: no.

Sema4
Classification: Benign for Hereditary cancer-predisposing syndrome. Last evaluated: 2020-07-02. Review status: criteria provided, single submitter. Criteria: Sema4 Curation Guidelines. Collection method: curation. Allele origin: germline.

Quest Diagnostics Nichols Institute San Juan Capistrano
Classification: Benign. Last evaluated: 2018-02-01. Review status: criteria provided, single submitter. Criteria: Quest Diagnostics criteria. Collection method: clinical testing. Allele origin: unknown.

Illumina Laboratory Services, Illumina
Classification: Benign for Isolated focal cortical dysplasia type II. Last evaluated: 2018-01-13. Review status: criteria provided, single submitter. Criteria: ICSL Variant Classification Criteria 13 December 2019. Collection method: clinical testing. Allele origin: germline.
Comment: This variant was observed in the ICSL laboratory as part of a predisposition screen in an ostensibly healthy population. It had not been previously curated by ICSL or reported in the Human Gene Mutation Database (HGMD: prior to June 1st, 2018), and was therefore a candidate for classification through an automated scoring system. Utilizing variant allele frequency, disease prevalence and penetrance estimates, and inheritance mode, an automated score was calculated to assess if this variant is too frequent to cause the disease. Based on the score and internal cut-off values, a variant classified as benign is not then subjected to further curation. The score for this variant resulted in a classification of benign for this disease.

Illumina Laboratory Services, Illumina
Classification: Benign for Tuberous sclerosis 1. Last evaluated: 2018-01-13. Review status: criteria provided, single submitter. Criteria: ICSL Variant Classification Criteria 13 December 2019. Collection method: clinical testing. Allele origin: germline.
Comment: the same text as in the submission from Illumina Laboratory Services, Illumina above.

Eurofins Ntd Llc (ga)
Classification: Benign. Last evaluated: 2015-11-24. Review status: criteria provided, single submitter. Criteria: EGL Classification Definitions 2015. Collection method: clinical testing. Allele origin: germline. Observed: 1 variant allele, 1 heterozygote.

Ambry Genetics
Classification: Likely benign for Hereditary cancer-predisposing syndrome. Last evaluated: 2014-08-03. Review status: criteria provided, single submitter. Criteria: Ambry Variant Classification Scheme 2023. Collection method: clinical testing. Allele origin: germline.

GeneDx
Classification: Benign. Last evaluated: 2013-03-01. Review status: criteria provided, single submitter. Criteria: GeneDx Variant Classification (06012015). Collection method: clinical testing. Allele origin: germline. Affected: yes.
Comment: This variant is considered likely benign or benign based on one or more of the following criteria: it is a conservative change, it occurs at a poorly conserved position in the protein, it is predicted to be benign by multiple in silico algorithms, and/or has population frequency not consistent with disease.

Laboratory for Molecular Medicine, Mass General Brigham Personalized Medicine
Classification: Benign. Last evaluated: 2013-02-21. Review status: criteria provided, single submitter. Criteria: LMM Criteria. Collection method: clinical testing. Allele origin: germline. Observed: 1 variant allele.
Comment: Ala882Ala in exon 21 of TSC1: This variant is not expected to have clinical sign ificance because it does not alter an amino acid residue and is not located with in the splice consensus sequence. It has been identified in 0.5% (41/8600) of Eu ropean American chromosomes from a broad population by the NHLBI Exome Sequencin g Project (dbSNP rs118203720).

Breakthrough Genomics
Classification: Likely benign. Review status: criteria provided, single submitter. Criteria: ACMG Guidelines, 2015. Collection method: not provided. Allele origin: germline. Inheritance: Autosomal dominant inheritance. Affected: yes.

PreventionGenetics, part of Exact Sciences
Classification: Benign. Review status: criteria provided, single submitter. Criteria: ACMG Guidelines, 2015. Collection method: clinical testing. Allele origin: germline.

Clinical Genetics, Academic Medical Center
Classification: Likely benign. Review status: no assertion criteria provided. Collection method: clinical testing. Allele origin: germline. Affected: yes. Study: VKGL Data-share Consensus. Not counted in ClinVar's aggregate classification.

Diagnostic Laboratory, Department of Genetics, University Medical Center Groningen
Classification: Likely benign. Review status: no assertion criteria provided. Collection method: clinical testing. Allele origin: germline. Affected: yes. Study: VKGL Data-share Consensus. Not counted in ClinVar's aggregate classification.

Genome Diagnostics Laboratory, Amsterdam University Medical Center
Classification: Likely benign. Review status: no assertion criteria provided. Collection method: clinical testing. Allele origin: germline. Affected: yes. Study: VKGL Data-share Consensus. Not counted in ClinVar's aggregate classification.

Tuberous sclerosis database (TSC1)
No classification provided. Condition: TSC. Review status: no classification provided. Criteria: Tuberous Sclerosis Database Assertion Criteria 2015. Collection method: curation. Allele origin: germline. Affected: yes. Not counted in ClinVar's aggregate classification.

Tuberous sclerosis database (TSC1)
No classification provided. Condition: Bladder cancer. Review status: no classification provided. Criteria: Tuberous Sclerosis Database Assertion Criteria 2015. Collection method: curation. Allele origin: germline. Affected: yes. Not counted in ClinVar's aggregate classification.

Literature cited by the submitters: PubMed 9863590 (cited by Quest Diagnostics Nichols Institute San Juan Capistrano); PubMed 10363127 (cited by Quest Diagnostics Nichols Institute San Juan Capistrano); PubMed 17304050 (cited by Quest Diagnostics Nichols Institute San Juan Capistrano); PubMed 14633685 (cited by Quest Diagnostics Nichols Institute San Juan Capistrano); PubMed 22558107 (cited by Quest Diagnostics Nichols Institute San Juan Capistrano).